The following is an entry in ClinVar:

ClinVar aggregate classification (germline): Uncertain significance. Review status: criteria provided, multiple submitters, no conflicts (2 of 4 stars). 2 submissions from 2 submitters: Uncertain significance (2). Last evaluated 2024-07-12.

Allele frequency attached by ClinVar (database versions not stated): TOPMed below 0.00001; gnomAD 0.00001; ExAC 0.00004; gnomAD exomes 0.00004.

Submissions (2):

Blueprint Genetics
Classification: Uncertain significance. Last evaluated: 2024-07-12. Review status: criteria provided, single submitter. Criteria: ACMG Guidelines, 2015. Collection method: clinical testing. Allele origin: germline.

Labcorp Genetics (formerly Invitae), Labcorp
Classification: Uncertain significance. Last evaluated: 2021-10-09. Review status: criteria provided, single submitter. Criteria: Invitae Variant Classification Sherloc (09022015). Collection method: clinical testing. Allele origin: germline.
Comment: This sequence change replaces proline with alanine at codon 290 of the GTPBP3 protein (p.Pro290Ala). The proline residue is moderately conserved and there is a small physicochemical difference between proline and alanine. This variant is present in population databases (rs754233717, ExAC 0.05%). This variant has not been reported in the literature in individuals affected with GTPBP3-related conditions. Algorithms developed to predict the effect of missense changes on protein structure and function output the following: SIFT: "Tolerated"; PolyPhen-2: "Benign"; Align-GVGD: "Class C0". The alanine amino acid residue is found in multiple mammalian species, which suggests that this missense change does not adversely affect protein function. In summary, the available evidence is currently insufficient to determine the role of this variant in disease. Therefore, it has been classified as a Variant of Uncertain Significance.

NM_032620.4(GTPBP3):c.772C>G (p.Pro258Ala)

Gene: GTPBP3 (GTP binding protein 3, mitochondrial; plus strand). Cytogenetic location: 19p13.11.
Variant type: single nucleotide variant.
Coding change: c.772C>G on transcript NM_032620.4 (MANE Select); coding-DNA position 772, C replaced by G.
Protein change: p.Pro258Ala; replaces proline 258 with alanine.
Molecular consequence: missense variant.
Genome position (GRCh38, 1-based): chr19:17,339,230, C>G. VCF-style: chr19-17339230-C-G. GRCh37 (hg19) VCF-style: chr19-17450039-C-G.
Other names: c.772C>G, p.Pro258Ala (NM_001128855.3); c.838C>G, p.Pro280Ala (NM_001195422.1); c.868C>G, p.Pro290Ala (NM_133644.4); short protein forms P258A, P290A, P280A.
Identifiers: ClinVar variation 1415276 (VCV001415276.4), dbSNP rs754233717, ClinGen allele CA9293491.
Genomic context (GRCh38, chr19:17,339,230, plus strand): 5'-CGAGATGCCAGGCGCGGGCAGAGGCTCCGCTCAGGGGTGCACGTAGTGGTCACTGGACCC[C>G]CCAATGCGGGCAAGAGCAGCCTAGTGAACCTGCTCAGTGAGTAGGCGGCGGGAAGGGGGC-3'
Protein context (NP_116009.2, residues 248-268): SGVHVVVTGP[Pro258Ala]NAGKSSLVNL